The following is an entry in ClinVar:

NM_001040436.3(YARS2):c.991C>T (p.His331Tyr)

Gene: YARS2 (tyrosyl-tRNA synthetase 2; minus strand). Cytogenetic location: 12p11.21.
Variant type: single nucleotide variant.
Coding change: c.991C>T on transcript NM_001040436.3 (MANE Select); coding-DNA position 991, C replaced by T.
Protein change: p.His331Tyr; replaces histidine 331 with tyrosine.
Molecular consequence: missense variant.
Genome position (GRCh38, 1-based): chr12:32,750,831, G>A on the plus strand (C>T on the coding strand, the complement: YARS2 is on the minus strand). VCF-style: chr12-32750831-G-A. GRCh37 (hg19) VCF-style: chr12-32903765-G-A.
Other names: short protein forms H331Y.
Identifiers: ClinVar variation 2060184 (VCV002060184.1), dbSNP rs377140710, ClinGen allele CA6508021.
Genomic context (GRCh38, chr12:32,750,831, plus strand): 5'-CTGCCAGTCGTTTCTGAGGACCCCGCCTTTCTGGCTCTTTGACATGCAGCTGCATGATAT[G>A]ATCAATCTCTGGAAGGGGCAGGAAAGTGAACAGCTTCAGGTACCTTTGAGACAAAAAATA-3'
Protein context (NP_001035526.1, residues 321-341): FTFLPLPEID[His331Tyr]IMQLHVKEPE

ClinVar aggregate classification (germline): Uncertain significance (1 of 4 stars; one submission).

Allele frequency attached by ClinVar (database versions not stated): ExAC 0.00007; TOPMed 0.00007; gnomAD 0.00011; 1000 Genomes Project 30x 0.00062; 1000 Genomes Project 0.00080.

Submission:

Labcorp Genetics (formerly Invitae), Labcorp
Classification: Uncertain significance. Last evaluated: 2022-04-22. Review status: criteria provided, single submitter. Criteria: Invitae Variant Classification Sherloc (09022015). Collection method: clinical testing. Allele origin: germline.
Comment: This sequence change replaces histidine, which is basic and polar, with tyrosine, which is neutral and polar, at codon 331 of the YARS2 protein (p.His331Tyr). The frequency data for this variant in the population databases is considered unreliable, as metrics indicate poor data quality at this position in the gnomAD database. This variant has not been reported in the literature in individuals affected with YARS2-related conditions. Advanced modeling of protein sequence and biophysical properties (such as structural, functional, and spatial information, amino acid conservation, physicochemical variation, residue mobility, and thermodynamic stability) performed at Invitae indicates that this missense variant is not expected to disrupt YARS2 protein function. In summary, the available evidence is currently insufficient to determine the role of this variant in disease. Therefore, it has been classified as a Variant of Uncertain Significance.